The following is an entry in ClinVar:

ClinVar aggregate classification (germline): Likely pathogenic (1 of 4 stars; one submission).

Conditions:
Intellectual developmental disorder, autosomal recessive 18, with or without epilepsy. Also called: Intellectual disability, autosomal recessive 18. Identifiers: Orphanet 88616, MedGen C3280265, MONDO:0013651, OMIM 614249.

Submission:

First Genomix Gene Laboratory, Genetic Diagnostics Department
Classification: Likely pathogenic for Intellectual developmental disorder, autosomal recessive 18, with or without epilepsy. Last evaluated: 2025-09-16. Review status: criteria provided, single submitter. Criteria: ACMG Guidelines, 2015. Collection method: clinical testing. Allele origin: germline. Inheritance: Autosomal recessive inheritance. Affected: no. Observed: 1 variant allele.

NM_004830.4(MED23):c.1712T>A (p.Leu571Ter)

Gene: MED23 (mediator complex subunit 23; minus strand). Cytogenetic location: 6q23.2.
Variant type: single nucleotide variant.
Coding change: c.1712T>A on transcript NM_004830.4 (MANE Select); coding-DNA position 1712, T replaced by A.
Protein change: p.Leu571Ter; replaces leucine 571 with a stop codon.
Molecular consequence: nonsense.
Genome position (GRCh38, 1-based): chr6:131,604,222, A>T on the plus strand (T>A on the coding strand, the complement: MED23 is on the minus strand). VCF-style: chr6-131604222-A-T. GRCh37 (hg19) VCF-style: chr6-131925362-A-T.
Other names: c.1712T>A, p.Leu571Ter (NM_001270521.2, NM_001270522.2, NM_001376519.1 and 3 more transcripts); c.1730T>A, p.Leu577Ter (NM_001376517.1, NM_015979.4); c.1658T>A, p.Leu553Ter (NM_001376518.1); c.1571T>A, p.Leu524Ter (NM_001376520.1); c.1457T>A, p.Leu486Ter (NM_001376523.1); short protein forms L486*, L524*, L553*, L571*, L577*.
Identifiers: ClinVar variation 4850371 (VCV004850371.1).